The following is an entry in ClinVar:

ClinVar aggregate classification (germline): Benign/Likely benign. Review status: criteria provided, multiple submitters, no conflicts (2 of 4 stars). 9 submissions from 9 submitters: Benign (1); Likely benign (7). 1 of the submissions does not count toward it. Last evaluated 2026-07-01.

Conditions:
Bardet-Biedl syndrome (BBS). Identifiers: Orphanet 110, MedGen C0752166, MONDO:0015229.
Bardet-Biedl syndrome 12 (BBS12). Identifiers: Orphanet 110, MedGen C1859570, MONDO:0014440, OMIM 615989.

Allele frequency attached by ClinVar (database versions not stated): ExAC 0.00176; gnomAD 0.00414 and 0.00439; ESP Exome Variant Server 0.00415; 1000 Genomes Project 0.00439; TOPMed 0.00485; 1000 Genomes Project 30x 0.00609.
gnomAD v4.1: 1,514 of 1,613,782 alleles (0.094%); highest among the groups gnomAD compares: African/African-American, 1.3%; 7 homozygotes.

Submissions (9):

CeGaT Center for Human Genetics Tuebingen
Classification: Likely benign. Last evaluated: 2026-07-01. Review status: criteria provided, single submitter. Criteria: CeGaT Center For Human Genetics Tuebingen Variant Classification Criteria Version 2. Collection method: clinical testing. Allele origin: germline. Affected: yes. Observed: 3 variant alleles.
Comment: BBS12: PM5, BS1

Labcorp Genetics (formerly Invitae), Labcorp
Classification: Benign for Bardet-Biedl syndrome. Last evaluated: 2026-02-04. Review status: criteria provided, single submitter. Criteria: Invitae Variant Classification Sherloc (09022015). Collection method: clinical testing. Allele origin: germline.

Blueprint Genetics
Classification: Likely benign. Last evaluated: 2024-11-12. Review status: criteria provided, single submitter. Criteria: ACMG Guidelines, 2015. Collection method: clinical testing. Allele origin: germline.

Biomedical Genomics and Oncogenetics Laboratory, Institut Pasteur de Tunis, University Tunis El Manar
Classification: Likely benign for Bardet-Biedl syndrome. Last evaluated: 2022-11-01. Review status: criteria provided, single submitter. Criteria: ACMG Guidelines, 2015. Collection method: research. Allele origin: germline. Affected: yes. Observed: 3 variant alleles.

Women's Health and Genetics/Laboratory Corporation of America, LabCorp
Classification: Likely benign. Last evaluated: 2022-05-03. Review status: criteria provided, single submitter. Criteria: LabCorp Variant Classification Summary - May 2015. Collection method: clinical testing. Allele origin: germline.

Genetic Services Laboratory, University of Chicago
Classification: Likely benign. Last evaluated: 2020-11-17. Review status: criteria provided, single submitter. Criteria: ACMG Guidelines, 2015. Collection method: clinical testing. Allele origin: germline. Affected: no.

Illumina Laboratory Services, Illumina
Classification: Likely benign for Bardet-Biedl syndrome 12. Last evaluated: 2017-09-28. Review status: criteria provided, single submitter. Criteria: ICSL Variant Classification Criteria 13 December 2019. Collection method: clinical testing. Allele origin: germline.
Comment: This variant was observed as part of a predisposition screen in an ostensibly healthy population. A literature search was performed for the gene, cDNA change, and amino acid change (where applicable). Publications were found based on this search. The evidence from the literature, in combination with allele frequency data from public databases where available, was sufficient to determine this variant is unlikely to cause disease. Therefore, this variant is classified as likely benign.

Breakthrough Genomics
Classification: Likely benign. Review status: criteria provided, single submitter. Criteria: ACMG Guidelines, 2015. Collection method: not provided. Allele origin: germline. Inheritance: Autosomal recessive inheritance. Affected: yes.

Natera, Inc.
Classification: Benign for Bardet-Biedl syndrome type 12. Last evaluated: 2020-09-16. Review status: no assertion criteria provided. Collection method: clinical testing. Allele origin: germline. Not counted in ClinVar's aggregate classification.

Literature cited by the submitters: PubMed 28912962 (cited by Illumina Laboratory Services, Illumina); PubMed 27004616 (cited by Illumina Laboratory Services, Illumina); PubMed 21344540 (cited by Illumina Laboratory Services, Illumina); PubMed 20472660 (cited by Illumina Laboratory Services, Illumina); PubMed 21642631 (cited by Illumina Laboratory Services, Illumina).

NM_152618.3(BBS12):c.355G>A (p.Gly119Ser)

Gene: BBS12 (Bardet-Biedl syndrome 12; plus strand). Cytogenetic location: 4q27.
Variant type: single nucleotide variant.
Coding change: c.355G>A on transcript NM_152618.3 (MANE Select); coding-DNA position 355, G replaced by A.
Protein change: p.Gly119Ser; replaces glycine 119 with serine.
Molecular consequence: missense variant.
Genome position (GRCh38, 1-based): chr4:122,742,247, G>A. VCF-style: chr4-122742247-G-A. GRCh37 (hg19) VCF-style: chr4-123663402-G-A.
Other names: c.355G>A, p.Gly119Ser (NM_001178007.2); short protein forms G119S.
Identifiers: ClinVar variation 215543 (VCV000215543.46), dbSNP rs77731085, ClinGen allele CA338786.